The following is an entry in ClinVar:

ClinVar aggregate classification (germline): Uncertain significance. Review status: criteria provided, multiple submitters, no conflicts (2 of 4 stars). 2 submissions from 2 submitters: Uncertain significance (2). Last evaluated 2025-12-22.

Conditions:
Microcephaly, normal intelligence and immunodeficiency (NBS). Also called: IMMUNODEFICIENCY, MICROCEPHALY, AND CHROMOSOMAL INSTABILITY; Nijmegen breakage syndrome; BERLIN BREAKAGE SYNDROME; Microcephaly with normal intelligence immunodeficiency and lymphoreticular malignancies; Nonsyndromal microcephaly autosomal recessive with normal intelligence; Seemanova syndrome 2. Identifiers: Orphanet 647, MedGen C0398791, MONDO:0009623, OMIM 251260.
Hereditary cancer-predisposing syndrome. Also called: Hereditary neoplastic syndrome; Hereditary Cancer Syndrome; Tumor predisposition; Neoplastic Syndromes, Hereditary. Identifiers: Orphanet 140162, MedGen C0027672, MeSH D009386, MONDO:0015356.

gnomAD v4.1: 1 of 1,612,882 alleles (0.000062%); highest among the groups gnomAD compares: East Asian, 0.0022%; no homozygotes.

Submissions (2):

Myriad Genetics, Inc.
Classification: Uncertain significance for Microcephaly, normal intelligence and immunodeficiency. Last evaluated: 2025-12-22. Review status: criteria provided, single submitter. Criteria: Myriad Autosomal Dominant, Autosomal Recessive and X-Linked Classification Criteria (2023). Collection method: clinical testing. Allele origin: unknown.
Comment: NM_002485.4(NBN):c.1457C>G(S486C) is a missense variant classified as a variant of uncertain significance in the context of Nijmegen breakage syndrome. S486C has not been observed in cases with relevant disease. Relevant functional assessments of this variant are not available in the literature. S486C has not been observed in referenced population frequency databases. In summary, there is insufficient evidence to classify NM_002485.4(NBN):c.1457C>G(S486C) as pathogenic or benign. Please note: this variant was assessed in the context of healthy population screening.

Ambry Genetics
Classification: Uncertain significance for Hereditary cancer-predisposing syndrome. Last evaluated: 2021-07-08. Review status: criteria provided, single submitter. Criteria: Ambry Variant Classification Scheme 2023. Collection method: clinical testing. Allele origin: germline.
Comment: The p.S486C variant (also known as c.1457C>G), located in coding exon 11 of the NBN gene, results from a C to G substitution at nucleotide position 1457. The serine at codon 486 is replaced by cysteine, an amino acid with dissimilar properties. This amino acid position is conserved. In addition, this alteration is predicted to be tolerated by in silico analysis. Since supporting evidence is limited at this time, the clinical significance of this alteration remains unclear.

NM_002485.5(NBN):c.1457C>G (p.Ser486Cys)

Gene: NBN (nibrin; minus strand). Cytogenetic location: 8q21.3.
Variant type: single nucleotide variant.
Coding change: c.1457C>G on transcript NM_002485.5 (MANE Select); coding-DNA position 1457, C replaced by G.
Protein change: p.Ser486Cys; replaces serine 486 with cysteine.
Molecular consequence: missense variant.
Genome position (GRCh38, 1-based): chr8:89,953,632, G>C on the plus strand (C>G on the coding strand, the complement: NBN is on the minus strand). VCF-style: chr8-89953632-G-C. GRCh37 (hg19) VCF-style: chr8-90965860-G-C.
Other names: c.1211C>G, p.Ser404Cys (NM_001024688.3); short protein forms S404C, S486C.
Identifiers: ClinVar variation 1171997 (VCV001171997.6), dbSNP rs572568222, ClinGen allele CA371655811.
Genomic context (GRCh38, chr8:89,953,632, plus strand): 5'-TGCTCCTTATTTTTCCACAATGAGGGTGTAGCAGGTTGTGTTTGTTCTAAAAGAGAACAA[G>C]ACGTTTCTATTCTTGCTGATTTGCATGAAGACATTTCTTGATTTTCTTCATCCCTTTCCC-3'
Protein context (NP_002476.2, residues 476-496): SSCKSARIET[Ser486Cys]CSLLEQTQPA